The following is an entry in ClinVar:

NM_000492.4(CFTR):c.3964G>A (p.Val1322Ile)

Gene: CFTR (CF transmembrane conductance regulator; plus strand). Cytogenetic location: 7q31.2.
Variant type: single nucleotide variant.
Coding change: c.3964G>A on transcript NM_000492.4 (MANE Select); coding-DNA position 3964, G replaced by A.
Protein change: p.Val1322Ile; replaces valine 1322 with isoleucine.
Molecular consequence: missense variant.
Genome position (GRCh38, 1-based): chr7:117,664,688, G>A. VCF-style: chr7-117664688-G-A. GRCh37 (hg19) VCF-style: chr7-117304742-G-A.
Other names: short protein forms V1322I.
Identifiers: ClinVar variation 1736547 (VCV001736547.2), dbSNP rs756794531, ClinGen allele CA4451603.
Genomic context (GRCh38, chr7:117,664,688, plus strand): 5'-ATGTCAACTGCTTGAGTGTTTTTAACTCTGTGGTATCTGAACTATCTTCTCTAACTGCAG[G>A]TTGGGCTCAGATCTGTGATAGAACAGTTTCCTGGGAAGCTTGACTTTGTCCTTGTGGATG-3'
Protein context (NP_000483.3, residues 1312-1332): DQEIWKVADE[Val1322Ile]GLRSVIEQFP

ClinVar aggregate classification (germline): Uncertain significance (1 of 4 stars; one submission).

Conditions:
Cystic fibrosis (CF). Also called: MUCOVISCIDOSIS. Identifiers: Orphanet 586, MedGen C0010674, MONDO:0009061, OMIM 219700. Disease mechanism: loss of function.

Submission:

Ambry Genetics
Classification: Uncertain significance for Cystic fibrosis. Last evaluated: 2021-07-23. Review status: criteria provided, single submitter. Criteria: Ambry Variant Classification Scheme 2023. Collection method: clinical testing. Allele origin: germline.
Comment: The p.V1322I variant (also known as c.3964G>A) is located in coding exon 25 of the CFTR gene. The valine at codon 1322 is replaced by isoleucine, an amino acid with highly similar properties. This change occurs in the first base pair of coding exon 25. This amino acid position is conserved. In addition, the in silico prediction for this alteration is inconclusive. Since supporting evidence is limited at this time, the clinical significance of this alteration remains unclear.